The following is an entry in ClinVar:

NM_000264.5(PTCH1):c.2589G>C (p.Trp863Cys)

Gene: PTCH1 (patched 1; minus strand). Cytogenetic location: 9q22.32.
Variant type: single nucleotide variant.
Coding change: c.2589G>C on transcript NM_000264.5 (MANE Select); coding-DNA position 2589, G replaced by C.
Protein change: p.Trp863Cys; replaces tryptophan 863 with cysteine.
Molecular consequence: missense variant. On other transcripts: non-coding transcript variant (1).
Genome position (GRCh38, 1-based): chr9:95,461,970, C>G on the plus strand (G>C on the coding strand, the complement: PTCH1 is on the minus strand). VCF-style: chr9-95461970-C-G. GRCh37 (hg19) VCF-style: chr9-98224252-C-G.
Other names: c.2391G>C, p.Trp797Cys (NM_001083602.3); c.2586G>C, p.Trp862Cys (NM_001083603.3); c.2136G>C, p.Trp712Cys (NM_001083604.3, NM_001083605.3, NM_001083606.3 and 1 more transcripts); c.2433G>C, p.Trp811Cys (NM_001354918.2); short protein forms W797C, W712C, W811C, W862C, W863C.
Identifiers: ClinVar variation 2564381 (VCV002564381.2), dbSNP rs1277861627, ClinGen allele CA374113528.
Genomic context (GRCh38, chr9:95,461,970, plus strand): 5'-GGCAAGGACTCCATCGTCTGATCCATTCTTGTAATTGTTTGGCATGATTTTCCCGGTTTC[C>G]CAGTCACTGTCAAATGCATCCTGAAGTCCTAGAAATGGCAAATGATTGTAACACATTATA-3'
Protein context (NP_000255.2, residues 853-873): QGLQDAFDSD[Trp863Cys]ETGKIMPNNY

ClinVar aggregate classification (germline): Uncertain significance (1 of 4 stars; one submission).

Conditions:
Hereditary cancer-predisposing syndrome. Also called: Neoplastic Syndromes, Hereditary; Hereditary Cancer Syndrome; Hereditary neoplastic syndrome; Tumor predisposition. Identifiers: Orphanet 140162, MedGen C0027672, MeSH D009386, MONDO:0015356.

Submission:

Ambry Genetics
Classification: Uncertain significance for Hereditary cancer-predisposing syndrome. Last evaluated: 2023-04-23. Review status: criteria provided, single submitter. Criteria: Ambry Variant Classification Scheme 2023. Collection method: clinical testing. Allele origin: germline.
Comment: The p.W863C variant (also known as c.2589G>C), located in coding exon 16 of the PTCH1 gene, results from a G to C substitution at nucleotide position 2589. The tryptophan at codon 863 is replaced by cysteine, an amino acid with highly dissimilar properties. This amino acid position is conserved. In addition, this alteration is predicted to be deleterious by in silico analysis. Since supporting evidence is limited at this time, the clinical significance of this alteration remains unclear.